The following is an entry in ClinVar:

ClinVar aggregate classification (germline): Uncertain significance (1 of 4 stars; one submission).

Conditions:
Cohen syndrome (COH1). Also called: PEPPER SYNDROME; Cutis verticis gyrata, retinitis pigmentosa, and sensorineural deafness. Identifiers: Orphanet 193, MedGen C0265223, MONDO:0008999, OMIM 216550.

gnomAD v4.1: 5 of 1,614,016 alleles (0.00031%); highest among the groups gnomAD compares: South Asian, 0.0011%; 1 homozygote.

Submission:

Labcorp Genetics (formerly Invitae), Labcorp
Classification: Uncertain significance for Cohen syndrome. Last evaluated: 2025-05-21. Review status: criteria provided, single submitter. Criteria: Invitae Variant Classification Sherloc (09022015). Collection method: clinical testing. Allele origin: germline.
Comment: This sequence change replaces alanine, which is neutral and non-polar, with valine, which is neutral and non-polar, at codon 3628 of the VPS13B protein (p.Ala3628Val). This variant is present in population databases (rs762394387, gnomAD 0.003%). This variant has not been reported in the literature in individuals affected with VPS13B-related conditions. Invitae Evidence Modeling of protein sequence and biophysical properties (such as structural, functional, and spatial information, amino acid conservation, physicochemical variation, residue mobility, and thermodynamic stability) has been performed for this missense variant. However, the output from this modeling did not meet the statistical confidence thresholds required to predict the impact of this variant on VPS13B protein function. In summary, the available evidence is currently insufficient to determine the role of this variant in disease. Therefore, it has been classified as a Variant of Uncertain Significance.

NM_152564.5(VPS13B):c.10808C>T (p.Ala3603Val)

Gene: VPS13B (vacuolar protein sorting 13 homolog B; plus strand). Cytogenetic location: 8q22.2.
Variant type: single nucleotide variant.
Coding change: c.10808C>T on transcript NM_152564.5 (MANE Select); coding-DNA position 10808, C replaced by T.
Protein change: p.Ala3603Val; replaces alanine 3603 with valine.
Molecular consequence: missense variant.
Genome position (GRCh38, 1-based): chr8:99,854,197, C>T. VCF-style: chr8-99854197-C-T. GRCh37 (hg19) VCF-style: chr8-100866425-C-T.
Other names: c.10883C>T, p.Ala3628Val (NM_017890.5); short protein forms A3628V, A3603V.
Identifiers: ClinVar variation 4707148 (VCV004707148.1).
Genomic context (GRCh38, chr8:99,854,197, plus strand): 5'-CCTCAGACCACACTCCTCTCTCCTTCTCGGTGTTTGAAAGAGGACCCATCTTCACCACTG[C>T]GAGGCAGCTTGTGCACGCCCTGGCAATGCACTATGCCGCTGGGGCCCTTTTTAGAGCAGG-3'
Protein context (NP_689777.3, residues 3593-3613): VFERGPIFTT[Ala3603Val]RQLVHALAMH